The following is an entry in ClinVar:

ClinVar aggregate classification (germline): Pathogenic (1 of 4 stars; one submission).

Conditions:
Glycogen storage disease, type IV (GSD4). Also called: AMYLOPECTINOSIS; ANDERSEN DISEASE; BRANCHER DEFICIENCY; CIRRHOSIS, FAMILIAL, WITH DEPOSITION OF ABNORMAL GLYCOGEN; GBE1 DEFICIENCY; GLYCOGEN BRANCHING ENZYME DEFICIENCY. Identifiers: Orphanet 367, MedGen C0017923, MONDO:0009292, OMIM 232500.

Submission:

Myriad Genetics, Inc.
Classification: Pathogenic for Glycogen storage disease, type IV. Last evaluated: 2024-05-14. Review status: criteria provided, single submitter. Criteria: Myriad Autosomal Dominant, Autosomal Recessive and X-Linked Classification Criteria (2023). Collection method: clinical testing. Allele origin: unknown.
Comment: NM_000158.3(GBE1):c.454G>T(E152*) is expected to be pathogenic in the context of glycogen storage disease, GBE1-related. This variant is predicted to lead to an abnormal or absent protein product due to the creation of a premature termination codon in GBE1, a gene where loss-of-function variants are known to be pathogenic. Please note: this variant was assessed in the context of healthy population screening.

NM_000158.4(GBE1):c.454G>T (p.Glu152Ter)

Gene: GBE1 (1,4-alpha-glucan branching enzyme 1; minus strand). Cytogenetic location: 3p12.2.
Variant type: single nucleotide variant.
Coding change: c.454G>T on transcript NM_000158.4 (MANE Select); coding-DNA position 454, G replaced by T.
Protein change: p.Glu152Ter; replaces glutamic acid 152 with a stop codon.
Molecular consequence: nonsense.
Genome position (GRCh38, 1-based): chr3:81,649,897, C>A on the plus strand (G>T on the coding strand, the complement: GBE1 is on the minus strand). VCF-style: chr3-81649897-C-A. GRCh37 (hg19) VCF-style: chr3-81699048-C-A.
Other names: short protein forms E152*.
Identifiers: ClinVar variation 5011033 (VCV005011033.1).